The following is an entry in ClinVar:

NM_001110556.2(FLNA):c.1793T>G (p.Val598Gly)

Gene: FLNA (filamin A; minus strand). Cytogenetic location: Xq28.
Variant type: single nucleotide variant.
Coding change: c.1793T>G on transcript NM_001110556.2 (MANE Select); coding-DNA position 1793, T replaced by G.
Protein change: p.Val598Gly; replaces valine 598 with glycine.
Molecular consequence: missense variant.
Genome position (GRCh38, 1-based): chrX:154,364,856, A>C on the plus strand (T>G on the coding strand, the complement: FLNA is on the minus strand). VCF-style: chrX-154364856-A-C. GRCh37 (hg19) VCF-style: chrX-153593224-A-C.
Other names: c.1793T>G, p.Val598Gly (NM_001456.4); short protein forms V598G.
Identifiers: ClinVar variation 2441465 (VCV002441465.4), dbSNP rs2522755720, ClinGen allele CA415242366.

ClinVar aggregate classification (germline): Uncertain significance. Review status: criteria provided, multiple submitters, no conflicts (2 of 4 stars). 2 submissions from 2 submitters: Uncertain significance (2). Last evaluated 2025-11-12.

Conditions:
Familial thoracic aortic aneurysm and aortic dissection (TAAD). Also called: Thoracic aortic aneurysms and dissections. Identifiers: Orphanet 91387, MedGen C4707243, MONDO:0019625.

Submissions (2):

Ambry Genetics
Classification: Uncertain significance for Familial thoracic aortic aneurysm and aortic dissection. Last evaluated: 2025-11-12. Review status: criteria provided, single submitter. Criteria: Ambry Variant Classification Scheme 2023. Collection method: clinical testing. Allele origin: germline.
Comment: The p.V598G variant (also known as c.1793T>G), located in coding exon 11 of the FLNA gene, results from a T to G substitution at nucleotide position 1793. The valine at codon 598 is replaced by glycine, an amino acid with dissimilar properties. This amino acid position is highly conserved in available vertebrate species. In addition, this alteration is predicted to be deleterious by in silico analysis. Based on the available evidence, the clinical significance of this variant remains unclear.

Revvity Omics, Revvity
Classification: Uncertain significance. Last evaluated: 2021-04-06. Review status: criteria provided, single submitter. Criteria: ACMG Guidelines, 2015. Collection method: clinical testing. Allele origin: germline.